The following is an entry in ClinVar:

NM_013266.4(CTNNA3):c.108del (p.Leu37_Val38insTer)

Gene: CTNNA3 (catenin alpha 3; minus strand). Cytogenetic location: 10q21.3.
Variant type: Deletion.
Coding change: c.108del on transcript NM_013266.4 (MANE Select); coding-DNA position 108, one base deleted (A; older notation c.108delA).
Protein change: p.Leu37_Val38insTer.
Molecular consequence: frameshift variant.
Genome position (GRCh38, 1-based): chr10:67,607,041, T deleted on the plus strand (A on the coding strand, the reverse complement: CTNNA3 is on the minus strand). VCF-style (leftmost placement, unchanged base first): chr10-67607040-GT-G. GRCh37 (hg19) VCF-style: chr10-69366798-GT-G.
Other names: c.108del, p.Leu37_Val38insTer (NM_001127384.3); c.144del, p.Leu49_Val50insTer (NM_001291133.2).
Identifiers: ClinVar variation 1468207 (VCV001468207.6), dbSNP rs1843301169, ClinGen allele CA929492300.

ClinVar aggregate classification (germline): Uncertain significance (1 of 4 stars; one submission).

Conditions:
Arrhythmogenic right ventricular dysplasia 13. Also called: ARRHYTHMOGENIC RIGHT VENTRICULAR CARDIOMYOPATHY 13; Arrhythmogenic right ventricular dysplasia, familial, 13. Identifiers: MedGen C3810138, MONDO:0000908, OMIM 615616.

Allele frequency attached by ClinVar (database versions not stated): TOPMed below 0.00001; gnomAD 0.00001.

Submission:

Labcorp Genetics (formerly Invitae), Labcorp
Classification: Uncertain significance for Arrhythmogenic right ventricular dysplasia 13. Last evaluated: 2024-10-18. Review status: criteria provided, single submitter. Criteria: Invitae Variant Classification Sherloc (09022015). Collection method: clinical testing. Allele origin: germline.
Comment: This sequence change creates a premature translational stop signal (p.Val38*) in the CTNNA3 gene. It is expected to result in an absent or disrupted protein product. However, the current clinical and genetic evidence is not sufficient to establish whether loss-of-function variants in CTNNA3 cause disease. This variant is not present in population databases (gnomAD no frequency). This variant has not been reported in the literature in individuals affected with CTNNA3-related conditions. ClinVar contains an entry for this variant (Variation ID: 1468207). In summary, the available evidence is currently insufficient to determine the role of this variant in disease. Therefore, it has been classified as a Variant of Uncertain Significance.